The following is an entry in ClinVar:

ClinVar aggregate classification (germline): Uncertain significance (1 of 4 stars; one submission).

Submission:

Labcorp Genetics (formerly Invitae), Labcorp
Classification: Uncertain significance. Last evaluated: 2025-06-15. Review status: criteria provided, single submitter. Criteria: Invitae Variant Classification Sherloc (09022015). Collection method: clinical testing. Allele origin: germline.
Comment: This sequence change replaces cysteine, which is neutral and slightly polar, with tyrosine, which is neutral and polar, at codon 266 of the SIX5 protein (p.Cys266Tyr). This variant is not present in population databases (gnomAD no frequency). This variant has not been reported in the literature in individuals affected with SIX5-related conditions. Invitae Evidence Modeling of protein sequence and biophysical properties (such as structural, functional, and spatial information, amino acid conservation, physicochemical variation, residue mobility, and thermodynamic stability) indicates that this missense variant is not expected to disrupt SIX5 protein function with a negative predictive value of 80%. In summary, the available evidence is currently insufficient to determine the role of this variant in disease. Therefore, it has been classified as a Variant of Uncertain Significance.

NM_175875.5(SIX5):c.797G>A (p.Cys266Tyr)

Genes: DM1-AS (DM1 locus antisense RNA; plus strand), SIX5 (SIX homeobox 5; minus strand), LOC107075317 (origin of replication in DMPK trinucleotide repeat region; plus strand). Cytogenetic location: 19q13.32.
Variant type: single nucleotide variant.
Coding change: c.797G>A on transcript NM_175875.5 (MANE Select); coding-DNA position 797, G replaced by A.
Protein change: p.Cys266Tyr; replaces cysteine 266 with tyrosine.
Molecular consequence: missense variant. On other transcripts: non-coding transcript variant (1).
Genome position (GRCh38, 1-based): chr19:45,768,048, C>T on the plus strand (G>A on the coding strand, the complement: SIX5 is on the minus strand). VCF-style: chr19-45768048-C-T. GRCh37 (hg19) VCF-style: chr19-46271306-C-T.
Other names: short protein forms C266Y.
Identifiers: ClinVar variation 4809641 (VCV004809641.1).
Genomic context (GRCh38, chr19:45,768,048, plus strand): 5'-GGTGGACGGGATGTCCCCGGGAGAGCTGGACTTGCGCCGCCCGAGGCCCCTCACCTCTTG[C>T]AGGGCGCGCCGCCTCCGGCCCCGGTCCGGTCGCGCTGTCGCCGGTTCTTGAACCAGTTGC-3'
Protein context (NP_787071.3, residues 256-276): DRTGAGGGAP[Cys266Tyr]KSESDGNPTT